The following is an entry in ClinVar:

NM_002336.3(LRP6):c.2474G>A (p.Arg825His)

Gene: LRP6 (LDL receptor related protein 6; minus strand). Cytogenetic location: 12p13.2.
Variant type: single nucleotide variant.
Coding change: c.2474G>A on transcript NM_002336.3 (MANE Select); coding-DNA position 2474, G replaced by A.
Protein change: p.Arg825His; replaces arginine 825 with histidine.
Molecular consequence: missense variant.
Genome position (GRCh38, 1-based): chr12:12,159,146, C>T on the plus strand (G>A on the coding strand, the complement: LRP6 is on the minus strand). VCF-style: chr12-12159146-C-T. GRCh37 (hg19) VCF-style: chr12-12312080-C-T.
Other names: c.2474G>A, p.Arg825His (NM_001414244.1, NM_001414245.1, NM_001414246.1 and 4 more transcripts); c.2276G>A, p.Arg759His (NM_001414247.1); c.2021G>A, p.Arg674His (NM_001414252.1, NM_001414253.1, NM_001414254.1); c.1967G>A, p.Arg656His (NM_001414255.1); short protein forms R656H, R674H, R759H, R825H.
Identifiers: ClinVar variation 2186244 (VCV002186244.4), dbSNP rs1182239992, ClinGen allele CA383944391.

ClinVar aggregate classification (germline): Uncertain significance (1 of 4 stars; one submission).

Allele frequency attached by ClinVar (database versions not stated): gnomAD exomes below 0.00001; gnomAD 0.00001; TOPMed 0.00003.
gnomAD v4.1: 6 of 1,613,388 alleles (0.00037%); highest among the groups gnomAD compares: African/African-American, 0.0054%; no homozygotes.

Submission:

Labcorp Genetics (formerly Invitae), Labcorp
Classification: Uncertain significance. Last evaluated: 2023-10-13. Review status: criteria provided, single submitter. Criteria: Invitae Variant Classification Sherloc (09022015). Collection method: clinical testing. Allele origin: germline.
Comment: This sequence change replaces arginine, which is basic and polar, with histidine, which is basic and polar, at codon 825 of the LRP6 protein (p.Arg825His). This variant is present in population databases (no rsID available, gnomAD 0.007%). This variant has not been reported in the literature in individuals affected with LRP6-related conditions. ClinVar contains an entry for this variant (Variation ID: 2186244). Advanced modeling of protein sequence and biophysical properties (such as structural, functional, and spatial information, amino acid conservation, physicochemical variation, residue mobility, and thermodynamic stability) performed at Invitae indicates that this missense variant is not expected to disrupt LRP6 protein function. In summary, the available evidence is currently insufficient to determine the role of this variant in disease. Therefore, it has been classified as a Variant of Uncertain Significance.